The following is an entry in ClinVar:

NM_000059.4(BRCA2):c.8474_8487del (p.Ala2825fs)

Gene: BRCA2 (BRCA2 DNA repair associated; plus strand). Cytogenetic location: 13q13.1.
Variant type: Deletion.
Coding change: c.8474_8487del on transcript NM_000059.4 (MANE Select); coding-DNA positions 8474 to 8487, 14 bases deleted (CATACCCTATACAG).
Protein change: p.Ala2825fs; shifts the reading frame from alanine 2825.
Molecular consequence: frameshift variant.
Genome position (GRCh38, 1-based): chr13:32,370,544-32,370,557, CATACCCTATACAG deleted; deleting any 14 consecutive bases within chr13:32,370,542-32,370,557 gives the same sequence; the c. name uses the placement nearest the transcript's 3' end. VCF-style (leftmost placement, unchanged base first): chr13-32370541-GAGCATACCCTATAC-G. GRCh37 (hg19) VCF-style: chr13-32944678-GAGCATACCCTATAC-G.
Other names: short protein forms A2825fs.
Identifiers: ClinVar variation 822475 (VCV000822475.5), dbSNP rs1566248946, ClinGen allele CA915946895.

ClinVar aggregate classification (germline): Pathogenic. Review status: criteria provided, multiple submitters, no conflicts (2 of 4 stars). 2 submissions from 2 submitters: Pathogenic (2). Last evaluated 2025-07-06.

Conditions:
Hereditary cancer-predisposing syndrome. Also called: Tumor predisposition; Hereditary Cancer Syndrome; Neoplastic Syndromes, Hereditary; Hereditary neoplastic syndrome. Identifiers: Orphanet 140162, MedGen C0027672, MeSH D009386, MONDO:0015356.
Hereditary breast ovarian cancer syndrome. Also called: Hereditary breast and ovarian cancer; Breast and ovarian cancer; Hereditary breast and/or ovarian cancer syndrome; Hereditary breast and ovarian cancer syndrome; BRCA1- and BRCA2-Associated Hereditary Breast and Ovarian Cancer; Hereditary breast and ovarian cancer syndrome (HBOC). Identifiers: Orphanet 145, MedGen C0677776, MeSH D061325, MONDO:0003582. Disease mechanism: loss of function.

Submissions (2):

Labcorp Genetics (formerly Invitae), Labcorp
Classification: Pathogenic for Hereditary breast ovarian cancer syndrome. Last evaluated: 2025-07-06. Review status: criteria provided, single submitter. Criteria: Invitae Variant Classification Sherloc (09022015). Collection method: clinical testing. Allele origin: germline.
Comment: This sequence change creates a premature translational stop signal (p.Ala2825Valfs*15) in the BRCA2 gene. It is expected to result in an absent or disrupted protein product. Loss-of-function variants in BRCA2 are known to be pathogenic (PMID: 20104584). This variant is not present in population databases (gnomAD no frequency). This premature translational stop signal has been observed in individual(s) with BRCA2-related conditions (PMID: 35734583). ClinVar contains an entry for this variant (Variation ID: 822475). For these reasons, this variant has been classified as Pathogenic.

Ambry Genetics
Classification: Pathogenic for Hereditary cancer-predisposing syndrome. Last evaluated: 2019-10-23. Review status: criteria provided, single submitter. Criteria: Ambry Variant Classification Scheme 2023. Collection method: clinical testing. Allele origin: germline.
Comment: The c.8474_8487del14 pathogenic mutation, located in coding exon 18 of the BRCA2 gene, results from a deletion of 14 nucleotides at nucleotide positions 8474 to 8487, causing a translational frameshift with a predicted alternate stop codon (p.A2825Vfs*15). This alteration was identified by whole exome sequencing in 1/97 patients with schizophrenia; patients' personal and family histories of cancer were not mentioned by study authors (Yang Z et al. Transl Psychiatry, 2017 02;7:e1028). This alteration has also been reported in 2/313 unselected Chinese breast cancer patients (Li G et al. J. Cancer Res. Clin. Oncol., 2017 Oct;143:2011-2024). In addition to the clinical data presented in the literature, this alteration is expected to result in loss of function by premature protein truncation or nonsense-mediated mRNA decay. As such, this alteration is interpreted as a disease-causing mutation.

Literature cited by the submitters: PubMed 20104584 (cited by Labcorp Genetics (formerly Invitae), Labcorp); PubMed 35734583 (cited by Labcorp Genetics (formerly Invitae), Labcorp); PubMed 28195569 (cited by Ambry Genetics); PubMed 28664449 (cited by Ambry Genetics).